The following is an entry in ClinVar:

NM_000135.4(FANCA):c.238_243del (p.Cys80_Asp81del)

Gene: FANCA (FA complementation group A; minus strand). Cytogenetic location: 16q24.3.
Variant type: Deletion.
Coding change: c.238_243del on transcript NM_000135.4 (MANE Select); coding-DNA positions 238 to 243, 6 bases deleted (TGTGAC; older notation c.238_243delTGTGAC).
Protein change: p.Cys80_Asp81del.
Genome position (GRCh38, 1-based): chr16:89,814,560-89,814,565, GTCACA deleted on the plus strand (TGTGAC on the coding strand, the reverse complement: FANCA is on the minus strand); deleting any 6 consecutive bases within chr16:89,814,560-89,814,569 gives the same sequence; the c. name uses the placement nearest the transcript's 3' end. VCF-style (leftmost placement, unchanged base first): chr16-89814559-TGTCACA-T. GRCh37 (hg19) VCF-style: chr16-89880967-TGTCACA-T.
Other names: c.238_243del, p.Cys80_Asp81del (NM_001018112.3, NM_001286167.3, NM_001351830.2).
Identifiers: ClinVar variation 4809227 (VCV004809227.1).

ClinVar aggregate classification (germline): Uncertain significance (1 of 4 stars; one submission).

Conditions:
Fanconi anemia (FA). Also called: Fanconi's anemia. Identifiers: Orphanet 84, MedGen C0015625, MeSH D005199, MONDO:0019391.

Submission:

Labcorp Genetics (formerly Invitae), Labcorp
Classification: Uncertain significance for Fanconi anemia. Last evaluated: 2025-08-18. Review status: criteria provided, single submitter. Criteria: Invitae Variant Classification Sherloc (09022015). Collection method: clinical testing. Allele origin: germline.
Comment: This variant, c.238_243del, results in the deletion of 2 amino acid(s) of the FANCA protein (p.Cys80_Asp81del), but otherwise preserves the integrity of the reading frame. This variant is not present in population databases (gnomAD no frequency). This variant has not been reported in the literature in individuals affected with FANCA-related conditions. Experimental studies and prediction algorithms are not available or were not evaluated, and the functional significance of this variant is currently unknown. In summary, the available evidence is currently insufficient to determine the role of this variant in disease. Therefore, it has been classified as a Variant of Uncertain Significance.